The following is an entry in ClinVar:

NM_001854.4(COL11A1):c.2773G>A (p.Gly925Ser)

Gene: COL11A1 (collagen type XI alpha 1 chain; minus strand). Cytogenetic location: 1p21.1.
Variant type: single nucleotide variant.
Coding change: c.2773G>A on transcript NM_001854.4 (MANE Select); coding-DNA position 2773, G replaced by A.
Protein change: p.Gly925Ser; replaces glycine 925 with serine.
Molecular consequence: missense variant. On other transcripts: non-coding transcript variant (1).
Genome position (GRCh38, 1-based): chr1:102,974,865, C>T on the plus strand (G>A on the coding strand, the complement: COL11A1 is on the minus strand). VCF-style: chr1-102974865-C-T. GRCh37 (hg19) VCF-style: chr1-103440421-C-T.
Other names: c.2425G>A, p.Gly809Ser (NM_001168249.1, NM_080630.4); c.2656G>A, p.Gly886Ser (NM_001190709.2); c.2809G>A, p.Gly937Ser (NM_080629.3); c.2773G>A (NM_001854.3); short protein forms G925S, G937S, G809S, G886S.
Identifiers: ClinVar variation 2782562 (VCV002782562.4), dbSNP rs1662315937, ClinGen allele CA341162094.

ClinVar aggregate classification (germline): Uncertain significance. Review status: criteria provided, multiple submitters, no conflicts (2 of 4 stars). 2 submissions from 2 submitters: Uncertain significance (2). Last evaluated 2025-03-17.

Allele frequency attached by ClinVar (database versions not stated): TOPMed below 0.00001.

Submissions (2):

Labcorp Genetics (formerly Invitae), Labcorp
Classification: Uncertain significance. Last evaluated: 2025-03-17. Review status: criteria provided, single submitter. Criteria: Invitae Variant Classification Sherloc (09022015). Collection method: clinical testing. Allele origin: germline.
Comment: This sequence change replaces glycine, which is neutral and non-polar, with serine, which is neutral and polar, at codon 925 of the COL11A1 protein (p.Gly925Ser). This variant is not present in population databases (gnomAD no frequency). This variant has not been reported in the literature in individuals affected with COL11A1-related conditions. ClinVar contains an entry for this variant (Variation ID: 2782562). Invitae Evidence Modeling of protein sequence and biophysical properties (such as structural, functional, and spatial information, amino acid conservation, physicochemical variation, residue mobility, and thermodynamic stability) indicates that this missense variant is expected to disrupt COL11A1 protein function with a positive predictive value of 80%. In summary, the available evidence is currently insufficient to determine the role of this variant in disease. Therefore, it has been classified as a Variant of Uncertain Significance.

GeneDx
Classification: Uncertain significance. Last evaluated: 2024-10-29. Review status: criteria provided, single submitter. Criteria: GeneDx Variant Classification Process June 2021. Collection method: clinical testing. Allele origin: germline. Affected: yes.
Comment: Not observed at significant frequency in large population cohorts (gnomAD); In silico analysis supports that this missense variant has a deleterious effect on protein structure/function; Has not been previously published as pathogenic or benign to our knowledge; This variant is associated with the following publications: (PMID: 25240749)